The following is an entry in ClinVar:

NM_000022.4(ADA):c.618G>T (p.Lys206Asn)

Gene: ADA (adenosine deaminase; minus strand). Cytogenetic location: 20q13.12.
Variant type: single nucleotide variant.
Coding change: c.618G>T on transcript NM_000022.4 (MANE Select); coding-DNA position 618, G replaced by T.
Protein change: p.Lys206Asn; replaces lysine 206 with asparagine.
Molecular consequence: missense variant. On other transcripts: non-coding transcript variant (1), intron variant (1).
Genome position (GRCh38, 1-based): chr20:44,623,067, C>A on the plus strand (G>T on the coding strand, the complement: ADA is on the minus strand). VCF-style: chr20-44623067-C-A. GRCh37 (hg19) VCF-style: chr20-43251708-C-A.
Other names: NM_000022.4(ADA):c.618G>T; p.Lys206Asn; c.213G>T, p.Lys71Asn (NM_001322050.2); c.607-137G>T (NM_001322051.2); c.618G>T (NM_000022.3); short protein forms K71N, K206N.
Identifiers: ClinVar variation 841399 (VCV000841399.11), dbSNP rs750364735, ClinGen allele CA9871584.

ClinVar aggregate classification (germline): Uncertain significance. Review status: reviewed by expert panel (3 of 4 stars). 4 submissions from 4 submitters: Uncertain significance (1). 3 of the submissions do not count toward it. Last evaluated 2024-06-10.

Conditions:
Severe combined immunodeficiency, autosomal recessive, T cell-negative, B cell-negative, NK cell-negative, due to adenosine deaminase deficiency. Also called: ADA deficiency; Adenosine deaminase deficient severe combined immunodeficiency; Severe combined immunodeficiency due to ADA deficiency; SCID DUE TO ADA DEFICIENCY; SCID DUE TO ADA DEFICIENCY, EARLY-ONSET; ADA-SCID. Identifiers: Orphanet 277, MedGen C0392607, MONDO:0007064, OMIM 102700.
ADA-related disorder. Also called: ADA-related condition.

Allele frequency attached by ClinVar (database versions not stated): ExAC 0.00001; gnomAD 0.00002; gnomAD exomes 0.00002 and 0.00003; TOPMed 0.00004.

Submissions (4):

ClinGen Severe Combined Immunodeficiency Variant Curation Expert Panel, ClinGen
Classification: Uncertain significance for Severe combined immunodeficiency, autosomal recessive, T cell-negative, B cell-negative, NK cell-negative, due to adenosine deaminase deficiency. Last evaluated: 2024-06-10. Review status: reviewed by expert panel. Criteria: ClinGen SCID ACMG Specifications ADA V1.0.0. Collection method: curation. Allele origin: germline. Inheritance: Autosomal recessive inheritance.
Comment: NM_000022.4 :c.618G>T is a missense variant predicted to cause substitution of Lysine by Asparagine at amino acid 222 (p.Lys206Asn). The filtering allele frequency (the upper threshold of the 95% CI of 13/59022) of the c.618G>T variant in ADA is 0.0001231 for Admixed American chromosomes by gnomAD v4, which is lower than the ClinGen SCID VCEP threshold (<0.0001742) for PM2_Supporting, and therefore meets this criterion (PM2_Supporting). Based on insufficient evidence, this variant may be classified as variant of uncertain significance for autosomal recessive SCID based on ACMG/AMP criteria applied, as specified by the ClinGen SCID VCEP(specification version 1.0): PM2_Supporting.

Labcorp Genetics (formerly Invitae), Labcorp
Classification: Uncertain significance for Severe combined immunodeficiency, autosomal recessive, T cell-negative, B cell-negative, NK cell-negative, due to adenosine deaminase deficiency. Last evaluated: 2022-09-01. Review status: criteria provided, single submitter. Criteria: Invitae Variant Classification Sherloc (09022015). Collection method: clinical testing. Allele origin: germline. Not counted in ClinVar's aggregate classification.
Comment: This sequence change replaces lysine, which is basic and polar, with asparagine, which is neutral and polar, at codon 206 of the ADA protein (p.Lys206Asn). This variant is present in population databases (rs750364735, gnomAD 0.02%). This variant has not been reported in the literature in individuals affected with ADA-related conditions. ClinVar contains an entry for this variant (Variation ID: 841399). Algorithms developed to predict the effect of missense changes on protein structure and function (SIFT, PolyPhen-2, Align-GVGD) all suggest that this variant is likely to be tolerated. In summary, the available evidence is currently insufficient to determine the role of this variant in disease. Therefore, it has been classified as a Variant of Uncertain Significance.

PreventionGenetics, part of Exact Sciences
Classification: Uncertain significance for ADA-related condition. Last evaluated: 2024-04-10. Review status: no assertion criteria provided. Collection method: clinical testing. Allele origin: germline. Not counted in ClinVar's aggregate classification.
Comment: The ADA c.618G>T variant is predicted to result in the amino acid substitution p.Lys206Asn. To our knowledge, this variant has not been reported in the literature. This variant is reported in 0.023% of alleles in individuals of Latino descent in gnomAD. At this time, the clinical significance of this variant is uncertain due to the absence of conclusive functional and genetic evidence.

Natera, Inc.
Classification: Uncertain significance for Severe combined immunodeficiency due to ADA deficiency. Last evaluated: 2021-03-12. Review status: no assertion criteria provided. Collection method: clinical testing. Allele origin: germline. Not counted in ClinVar's aggregate classification.